The following is an entry in ClinVar:

ClinVar aggregate classification (germline): Uncertain significance. Review status: criteria provided, multiple submitters, no conflicts (2 of 4 stars). 2 submissions from 2 submitters: Uncertain significance (2). Last evaluated 2026-01-16.

Allele frequency attached by ClinVar (database versions not stated): ExAC 0.00001.

Submissions (2):

Labcorp Genetics (formerly Invitae), Labcorp
Classification: Uncertain significance. Last evaluated: 2026-01-16. Review status: criteria provided, single submitter. Criteria: Invitae Variant Classification Sherloc (09022015). Collection method: clinical testing. Allele origin: germline.
Comment: This sequence change affects codon 1790 of the FN1 mRNA. It is a 'silent' change, meaning that it does not change the encoded amino acid sequence of the FN1 protein. This variant is not present in population databases (gnomAD no frequency). This variant has not been reported in the literature in individuals affected with FN1-related conditions. ClinVar contains an entry for this variant (Variation ID: 2120704). Algorithms developed to predict the effect of sequence changes on RNA splicing suggest that this variant may create or strengthen a splice site. In summary, the available evidence is currently insufficient to determine the role of this variant in disease. Therefore, it has been classified as a Variant of Uncertain Significance.

Dasa
Classification: Uncertain significance. Last evaluated: 2024-05-31. Review status: criteria provided, single submitter. Criteria: DASA Assertion Criteria. Collection method: clinical testing. Allele origin: germline.
Comment: NM_212482.4(FN1):c.5370A>G (p.Thr1790=) is a synonymous variant predicted not to alter the encoded amino acid sequence. This variant is rare in population databases. Computational prediction algorithms are consistent with a deleterious effect. The currently available literature and clinical evidence are not sufficient to establish a definitive association between this variant and the reported condition. Therefore, this variant is classified as a variant of uncertain significance.

NM_212482.4(FN1):c.5370A>G (p.Thr1790=)

Gene: FN1 (fibronectin 1; minus strand). Cytogenetic location: 2q35.
Variant type: single nucleotide variant.
Coding change: c.5370A>G on transcript NM_212482.4 (MANE Select); coding-DNA position 5370, A replaced by G.
Protein change: p.Thr1790=; no amino-acid change (threonine 1790 retained).
Molecular consequence: synonymous variant. On other transcripts: intron variant (10).
Genome position (GRCh38, 1-based): chr2:215,380,875, T>C on the plus strand (A>G on the coding strand, the complement: FN1 is on the minus strand). VCF-style: chr2-215380875-T-C. GRCh37 (hg19) VCF-style: chr2-216245598-T-C.
Other names: c.5370A>G, p.Thr1790= (NM_001306129.2); c.5097A>G, p.Thr1699= (NM_001365518.2, NM_001365520.2, NM_001365524.2 and 2 more transcripts); c.4891+1337A>G (NM_212474.3, NM_001306132.2, NM_001365523.2 and 2 more transcripts); c.5164+1337A>G (NM_001306130.2, NM_001365522.2, NM_001365519.2 and 2 more transcripts).
Identifiers: ClinVar variation 2120704 (VCV002120704.6), dbSNP rs752111960, ClinGen allele CA2094173.